The following is an entry in ClinVar:

NM_000059.4(BRCA2):c.8158G>A (p.Glu2720Lys)

Gene: BRCA2 (BRCA2 DNA repair associated; plus strand). Cytogenetic location: 13q13.1.
Variant type: single nucleotide variant.
Coding change: c.8158G>A on transcript NM_000059.4 (MANE Select); coding-DNA position 8158, G replaced by A.
Protein change: p.Glu2720Lys; replaces glutamic acid 2720 with lysine.
Molecular consequence: missense variant.
Genome position (GRCh38, 1-based): chr13:32,363,360, G>A. VCF-style: chr13-32363360-G-A. GRCh37 (hg19) VCF-style: chr13-32937497-G-A.
Other names: short protein forms E2720K.
Identifiers: ClinVar variation 479393 (VCV000479393.11), dbSNP rs1555287016, ClinGen allele CA387749545.

ClinVar aggregate classification (germline): Uncertain significance. Review status: criteria provided, multiple submitters, no conflicts (2 of 4 stars). 3 submissions from 3 submitters: Uncertain significance (3). Last evaluated 2025-11-10.

Conditions:
Hereditary breast ovarian cancer syndrome. Also called: Hereditary breast and ovarian cancer syndrome (HBOC); Hereditary breast and ovarian cancer syndrome; Breast and ovarian cancer; BRCA1- and BRCA2-Associated Hereditary Breast and Ovarian Cancer; Hereditary breast and ovarian cancer; Hereditary breast and/or ovarian cancer syndrome. Identifiers: Orphanet 145, MedGen C0677776, MeSH D061325, MONDO:0003582. Disease mechanism: loss of function.
Hereditary cancer-predisposing syndrome. Also called: Neoplastic Syndromes, Hereditary; Hereditary Cancer Syndrome; Hereditary neoplastic syndrome; Tumor predisposition. Identifiers: Orphanet 140162, MedGen C0027672, MeSH D009386, MONDO:0015356.

Submissions (3):

Labcorp Genetics (formerly Invitae), Labcorp
Classification: Uncertain significance for Hereditary breast ovarian cancer syndrome. Last evaluated: 2025-11-10. Review status: criteria provided, single submitter. Criteria: Invitae Variant Classification Sherloc (09022015). Collection method: clinical testing. Allele origin: germline.
Comment: This sequence change replaces glutamic acid, which is acidic and polar, with lysine, which is basic and polar, at codon 2720 of the BRCA2 protein (p.Glu2720Lys). This variant is not present in population databases (gnomAD no frequency). This missense change has been observed in individual(s) with prostate cancer (PMID: 21952622). ClinVar contains an entry for this variant (Variation ID: 479393). Invitae Evidence Modeling of protein sequence and biophysical properties (such as structural, functional, and spatial information, amino acid conservation, physicochemical variation, residue mobility, and thermodynamic stability) indicates that this missense variant is not expected to disrupt BRCA2 protein function with a negative predictive value of 95%. In summary, the available evidence is currently insufficient to determine the role of this variant in disease. Therefore, it has been classified as a Variant of Uncertain Significance.

Quest Diagnostics Nichols Institute San Juan Capistrano
Classification: Uncertain significance. Last evaluated: 2024-08-09. Review status: criteria provided, single submitter. Criteria: Quest Diagnostics criteria. Collection method: clinical testing. Allele origin: unknown.
Comment: The BRCA2 c.8158G>A (p.Glu2720Lys) variant has been reported in the published literature in at least one individual with prostate cancer (PMID: 21952622 (2011)). This variant has also been described to be located in a region of the BRCA2 gene that is tolerant to missense sequence changes (PMID: 31911673 (2020)). This variant has not been reported in large, multi-ethnic general populations (Genome Aggregation Database). Analysis of this variant using bioinformatics tools for the prediction of the effect of amino acid changes on protein structure and function yielded conflicting predictions that this variant is benign or damaging. Based on the available information, we are unable to determine the clinical significance of this variant.

Ambry Genetics
Classification: Uncertain significance for Hereditary cancer-predisposing syndrome. Last evaluated: 2018-08-13. Review status: criteria provided, single submitter. Criteria: Ambry Variant Classification Scheme 2023. Collection method: clinical testing. Allele origin: germline.
Comment: The p.E2720K variant (also known as c.8158G>A), located in coding exon 17 of the BRCA2 gene, results from a G to A substitution at nucleotide position 8158. The glutamic acid at codon 2720 is replaced by lysine, an amino acid with similar properties. This alteration has been reported in a cohort of individuals with prostate cancer who underwent testing for alterations in BRCA2; authors listed p.E2720K as an unclassified variant in this study (Kote-Jarai Z et al. Br. J. Cancer, 2011 Oct;105:1230-4). This amino acid position is well conserved through mammals but not in all available vertebrate species. In addition, the in silico prediction for this alteration is inconclusive. Since supporting evidence is limited at this time, the clinical significance of this alteration remains unclear.

Literature cited by the submitters: PubMed 21952622 (cited by 3 submitters); PubMed 29884841 (cited by Quest Diagnostics Nichols Institute San Juan Capistrano); PubMed 31911673 (cited by Quest Diagnostics Nichols Institute San Juan Capistrano).